The following is an entry in ClinVar:

ClinVar aggregate classification (germline): Uncertain significance (1 of 4 stars; one submission).

Conditions:
Hereditary cancer-predisposing syndrome. Also called: Hereditary Cancer Syndrome; Neoplastic Syndromes, Hereditary; Tumor predisposition; Hereditary neoplastic syndrome. Identifiers: Orphanet 140162, MedGen C0027672, MeSH D009386, MONDO:0015356.

Submission:

Ambry Genetics
Classification: Uncertain significance for Hereditary cancer-predisposing syndrome. Last evaluated: 2026-08-31. Review status: criteria provided, single submitter. Criteria: Ambry Variant Classification Scheme 2023. Collection method: clinical testing. Allele origin: germline.
Comment: The p.F115L variant (also known as c.345T>G), located in coding exon 2 of the CHEK2 gene, results from a T to G substitution at nucleotide position 345. The phenylalanine at codon 115 is replaced by leucine, an amino acid with highly similar properties. This amino acid position is highly conserved in available vertebrate species. In addition, this alteration is predicted to be deleterious by in silico analysis. Based on the available evidence, the clinical significance of this variant remains unclear.

NM_007194.4(CHEK2):c.345T>G (p.Phe115Leu)

Gene: CHEK2 (checkpoint kinase 2; minus strand). Cytogenetic location: 22q12.1.
Variant type: single nucleotide variant.
Coding change: c.345T>G on transcript NM_007194.4 (MANE Select); coding-DNA position 345, T replaced by G.
Protein change: p.Phe115Leu; replaces phenylalanine 115 with leucine.
Molecular consequence: missense variant. On other transcripts: 5 prime UTR variant (2).
Genome position (GRCh38, 1-based): chr22:28,725,342, A>C on the plus strand (T>G on the coding strand, the complement: CHEK2 is on the minus strand). VCF-style: chr22-28725342-A-C. GRCh37 (hg19) VCF-style: chr22-29121330-A-C.
Other names: c.474T>G, p.Phe158Leu (NM_001005735.3, NM_001438294.1); c.-433T>G (NM_001257387.3); c.345T>G, p.Phe115Leu (NM_001349956.3, NM_145862.3); c.-319T>G (NM_001437942.1); c.438T>G, p.Phe146Leu (NM_001438293.1, NM_001438295.1); short protein forms F146L, F115L, F158L.
Identifiers: ClinVar variation 5034568 (VCV005034568.1).